The following is an entry in ClinVar:

NM_001205293.3(CACNA1E):c.1207G>A (p.Gly403Arg)

Gene: CACNA1E (calcium voltage-gated channel subunit alpha1 E; plus strand). Cytogenetic location: 1q25.3.
Variant type: single nucleotide variant.
Coding change: c.1207G>A on transcript NM_001205293.3 (MANE Select); coding-DNA position 1207, G replaced by A.
Protein change: p.Gly403Arg; replaces glycine 403 with arginine.
Molecular consequence: missense variant.
Genome position (GRCh38, 1-based): chr1:181,715,373, G>A. VCF-style: chr1-181715373-G-A. GRCh37 (hg19) VCF-style: chr1-181684509-G-A.
Other names: c.1207G>A, p.Gly403Arg (NM_000721.4, NM_001205294.2); short protein forms G403R.
Identifiers: ClinVar variation 4799983 (VCV004799983.1).

ClinVar aggregate classification (germline): Uncertain significance (1 of 4 stars; one submission).

Submission:

Labcorp Genetics (formerly Invitae), Labcorp
Classification: Uncertain significance. Last evaluated: 2025-07-06. Review status: criteria provided, single submitter. Criteria: Invitae Variant Classification Sherloc (09022015). Collection method: clinical testing. Allele origin: germline.
Comment: This sequence change replaces glycine, which is neutral and non-polar, with arginine, which is basic and polar, at codon 403 of the CACNA1E protein (p.Gly403Arg). This variant is not present in population databases (gnomAD no frequency). This variant has not been reported in the literature in individuals affected with CACNA1E-related conditions. Invitae Evidence Modeling of protein sequence and biophysical properties (such as structural, functional, and spatial information, amino acid conservation, physicochemical variation, residue mobility, and thermodynamic stability) has been performed for this missense variant. However, the output from this modeling did not meet the statistical confidence thresholds required to predict the impact of this variant on CACNA1E protein function. In summary, the available evidence is currently insufficient to determine the role of this variant in disease. Therefore, it has been classified as a Variant of Uncertain Significance.